The following is an entry in ClinVar:

NM_007294.4(BRCA1):c.4218del (p.Lys1406fs)

Gene: BRCA1 (BRCA1 DNA repair associated; minus strand). Cytogenetic location: 17q21.31.
Variant type: Deletion.
Coding change: c.4218del on transcript NM_007294.4 (MANE Select); coding-DNA position 4218, one base deleted (G; older notation c.4218delG).
Protein change: p.Lys1406fs; shifts the reading frame from lysine 1406.
Molecular consequence: frameshift variant. On other transcripts: non-coding transcript variant (1).
Genome position (GRCh38, 1-based): chr17:43,082,543, C deleted on the plus strand (G on the coding strand, the reverse complement: BRCA1 is on the minus strand). VCF-style (leftmost placement, unchanged base first): chr17-43082542-GC-G. GRCh37 (hg19) VCF-style: chr17-41234559-GC-G.
Other names: 4337delG; c.906delG, p.Lys302Asnfs (NM_001407982.1, NM_001407983.1, NM_001407984.1 and 18 more transcripts); c.909delG, p.Lys303Asnfs (NM_001407993.1, NM_007298.4, NM_007304.2 and 8 more transcripts); c.903delG, p.Lys301Asnfs (NM_001408400.1, NM_001408401.1, NM_001408402.1 and 1 more transcripts); c.900delG, p.Lys300Asnfs (NM_001408406.1, NM_001408408.1); c.831delG, p.Lys277Asnfs (NM_001408409.1, NM_001408411.1, NM_001408412.1 and 2 more transcripts); c.768delG, p.Lys256Asnfs (NM_001408410.1, NM_001408452.1, NM_001408453.1 and 8 more transcripts); c.828delG, p.Lys276Asnfs (NM_001408413.1, NM_001408416.1); and 55 more; short protein forms K1359fs, K303fs, K1406fs.
Identifiers: ClinVar variation 266460 (VCV000266460.10), dbSNP rs886040217, ClinGen allele CA10589678.

ClinVar aggregate classification (germline): Pathogenic. Review status: reviewed by expert panel (3 of 4 stars). 3 submissions from 3 submitters: Pathogenic (1). 2 of the submissions do not count toward it. Last evaluated 2016-10-18.

Conditions:
Hereditary breast ovarian cancer syndrome. Also called: Hereditary breast and ovarian cancer syndrome (HBOC); Breast and ovarian cancer; Hereditary breast and ovarian cancer syndrome; Hereditary breast and ovarian cancer; BRCA1- and BRCA2-Associated Hereditary Breast and Ovarian Cancer; Hereditary breast and/or ovarian cancer syndrome. Identifiers: Orphanet 145, MedGen C0677776, MeSH D061325, MONDO:0003582. Disease mechanism: loss of function.
Breast-ovarian cancer, familial, susceptibility to, 1 (BROVCA1). Also called: BRCA1 Hereditary Breast and Ovarian Cancer; OVARIAN CANCER, SUSCEPTIBILITY TO. Identifiers: Orphanet 145, MedGen C2676676, MONDO:0011450, OMIM 604370. Disease mechanism: loss of function.

Submissions (3):

Evidence-based Network for the Interpretation of Germline Mutant Alleles (ENIGMA)
Classification: Pathogenic for Breast-ovarian cancer, familial, susceptibility to, 1. Last evaluated: 2016-10-18. Review status: reviewed by expert panel. Criteria: ENIGMA BRCA1/2 Classification Criteria (2015). Collection method: curation. Allele origin: germline.
Comment: Variant allele predicted to encode a truncated non-functional protein.

Labcorp Genetics (formerly Invitae), Labcorp
Classification: Pathogenic for Hereditary breast ovarian cancer syndrome. Last evaluated: 2022-02-18. Review status: criteria provided, single submitter. Criteria: Invitae Variant Classification Sherloc (09022015). Collection method: clinical testing. Allele origin: germline. Not counted in ClinVar's aggregate classification.
Comment: For these reasons, this variant has been classified as Pathogenic. ClinVar contains an entry for this variant (Variation ID: 266460). This variant has not been reported in the literature in individuals affected with BRCA1-related conditions. This variant is not present in population databases (gnomAD no frequency). This sequence change creates a premature translational stop signal (p.Lys1406Asnfs*9) in the BRCA1 gene. It is expected to result in an absent or disrupted protein product. Loss-of-function variants in BRCA1 are known to be pathogenic (PMID: 20104584).

Consortium of Investigators of Modifiers of BRCA1/2 (CIMBA), c/o University of Cambridge
Classification: Pathogenic for Breast-ovarian cancer, familial, susceptibility to, 1. Last evaluated: 2015-10-02. Review status: criteria provided, single submitter. Criteria: CIMBA Mutation Classification guidelines May 2016. Collection method: clinical testing. Allele origin: germline. Not counted in ClinVar's aggregate classification.

Literature cited by the submitters: PubMed 20104584 (cited by Labcorp Genetics (formerly Invitae), Labcorp).